The following is an entry in ClinVar:

NM_017671.5(FERMT1):c.741T>G (p.Asn247Lys)

Gene: FERMT1 (FERM domain containing kindlin 1; minus strand). Cytogenetic location: 20p12.3.
Variant type: single nucleotide variant.
Coding change: c.741T>G on transcript NM_017671.5 (MANE Select); coding-DNA position 741, T replaced by G.
Protein change: p.Asn247Lys; replaces asparagine 247 with lysine.
Molecular consequence: missense variant.
Genome position (GRCh38, 1-based): chr20:6,110,303, A>C on the plus strand (T>G on the coding strand, the complement: FERMT1 is on the minus strand). VCF-style: chr20-6110303-A-C. GRCh37 (hg19) VCF-style: chr20-6090950-A-C.
Other names: short protein forms N247K.
Identifiers: ClinVar variation 1966213 (VCV001966213.5), dbSNP rs1306809997, ClinGen allele CA408187897.
Genomic context (GRCh38, chr20:6,110,303, plus strand): 5'-TCTCTTACTGTGTCGGCACTAGCTCAGAGAGAAGTAAAAGGAGCCGTGTCCTTACCCTGC[A>C]TTGAGCTTGGCTTTATCAACCAGAGACCGAGGCTGGTACATATCCGCAAGTGCTTCTGGG-3'
Protein context (NP_060141.3, residues 237-257): PRSLVDKAKL[Asn247Lys]AGWLDSSRSL

ClinVar aggregate classification (germline): Uncertain significance (1 of 4 stars; one submission).

Allele frequency attached by ClinVar (database versions not stated): gnomAD exomes below 0.00001.
gnomAD v4.1: 3 of 1,611,938 alleles (0.00019%); highest among the groups gnomAD compares: Admixed American, 0.005%; no homozygotes.

Submission:

Labcorp Genetics (formerly Invitae), Labcorp
Classification: Uncertain significance. Last evaluated: 2022-12-06. Review status: criteria provided, single submitter. Criteria: Invitae Variant Classification Sherloc (09022015). Collection method: clinical testing. Allele origin: germline.
Comment: In summary, the available evidence is currently insufficient to determine the role of this variant in disease. Therefore, it has been classified as a Variant of Uncertain Significance. Advanced modeling of protein sequence and biophysical properties (such as structural, functional, and spatial information, amino acid conservation, physicochemical variation, residue mobility, and thermodynamic stability) performed at Invitae indicates that this missense variant is not expected to disrupt FERMT1 protein function. This variant has not been reported in the literature in individuals affected with FERMT1-related conditions. This variant is not present in population databases (gnomAD no frequency). This sequence change replaces asparagine, which is neutral and polar, with lysine, which is basic and polar, at codon 247 of the FERMT1 protein (p.Asn247Lys).